The following is an entry in ClinVar:

NM_002582.4(PARN):c.787G>C (p.Glu263Gln)

Gene: PARN (poly(A)-specific ribonuclease; minus strand). Cytogenetic location: 16p13.12.
Variant type: single nucleotide variant.
Coding change: c.787G>C on transcript NM_002582.4 (MANE Select); coding-DNA position 787, G replaced by C.
Protein change: p.Glu263Gln; replaces glutamic acid 263 with glutamine.
Molecular consequence: missense variant.
Genome position (GRCh38, 1-based): chr16:14,599,957, C>G on the plus strand (G>C on the coding strand, the complement: PARN is on the minus strand). VCF-style: chr16-14599957-C-G. GRCh37 (hg19) VCF-style: chr16-14693814-C-G.
Other names: c.787G>C (NM_002582.3); c.604G>C, p.Glu202Gln (NM_001134477.3); c.649G>C, p.Glu217Gln (NM_001242992.2); short protein forms E202Q, E263Q, E217Q.
Identifiers: ClinVar variation 3578462 (VCV003578462.3).

ClinVar aggregate classification (germline): Uncertain significance. Review status: criteria provided, multiple submitters, no conflicts (2 of 4 stars). 2 submissions from 2 submitters: Uncertain significance (2). Last evaluated 2024-03-18.

Conditions:
Dyskeratosis congenita, autosomal recessive 6 (DKCB6). Identifiers: MedGen C4225356, MONDO:0014600, OMIM 616353.
Pulmonary fibrosis and/or bone marrow failure, Telomere-related, 4. Also called: PULMONARY FIBROSIS AND/OR BONE MARROW FAILURE SYNDROME, TELOMERE-RELATED, 4. Identifiers: Orphanet 2032, MedGen C4225347, MONDO:0014612, OMIM 616371.

gnomAD v4.1: 1 of 1,575,790 alleles (0.000063%); highest among the groups gnomAD compares: Admixed American, 0.0018%; no homozygotes.

Submissions (2):

Fulgent Genetics
Classification: Uncertain significance for Dyskeratosis congenita, autosomal recessive 6; Pulmonary fibrosis and/or bone marrow failure, Telomere-related, 4. Last evaluated: 2024-03-18. Review status: criteria provided, single submitter. Criteria: ACMG Guidelines, 2015. Collection method: clinical testing. Allele origin: germline.

Labcorp Genetics (formerly Invitae), Labcorp
Classification: Uncertain significance for Dyskeratosis congenita, autosomal recessive 6; Pulmonary fibrosis and/or bone marrow failure, Telomere-related, 4. Last evaluated: 2024-02-06. Review status: criteria provided, single submitter. Criteria: Invitae Variant Classification Sherloc (09022015). Collection method: clinical testing. Allele origin: germline.
Comment: This sequence change replaces glutamic acid, which is acidic and polar, with glutamine, which is neutral and polar, at codon 263 of the PARN protein (p.Glu263Gln). This variant is present in population databases (no rsID available, gnomAD 0.003%). This variant has not been reported in the literature in individuals affected with PARN-related conditions. Advanced modeling of protein sequence and biophysical properties (such as structural, functional, and spatial information, amino acid conservation, physicochemical variation, residue mobility, and thermodynamic stability) performed at Invitae indicates that this missense variant is not expected to disrupt PARN protein function with a negative predictive value of 80%. In summary, the available evidence is currently insufficient to determine the role of this variant in disease. Therefore, it has been classified as a Variant of Uncertain Significance.